The following is an entry in ClinVar:

NM_012414.4(RAB3GAP2):c.2980+1G>A

Gene: RAB3GAP2 (RAB3 GTPase activating non-catalytic protein subunit 2; minus strand). Cytogenetic location: 1q41.
Variant type: single nucleotide variant.
Coding change: c.2980+1G>A on transcript NM_012414.4 (MANE Select); the canonical splice donor site of the intron after coding-DNA position 2980, G replaced by A.
Molecular consequence: splice donor variant.
Genome position (GRCh38, 1-based): chr1:220,167,501, C>T on the plus strand (G>A on the coding strand, the complement: RAB3GAP2 is on the minus strand). VCF-style: chr1-220167501-C-T. GRCh37 (hg19) VCF-style: chr1-220340843-C-T.
Identifiers: ClinVar variation 4881868 (VCV004881868.2).

ClinVar aggregate classification (germline): Likely pathogenic (1 of 4 stars; one submission).

Conditions:
Warburg micro syndrome 2 (WARBM2). Also called: MICRO SYNDROME 2. Identifiers: Orphanet 2510, MedGen C3280214, MONDO:0013641, OMIM 614225.

Submission:

Dasa
Classification: Likely pathogenic for Warburg micro syndrome 2. Last evaluated: 2025-12-01. Review status: criteria provided, single submitter. Criteria: DASA Assertion Criteria. Collection method: clinical testing. Allele origin: germline.
Comment: NM_012414.4(RAB3GAP2):c.2980+1G>A affects a canonical splice site and is predicted to disrupt normal RNA splicing. Loss of function is an established disease mechanism for RAB3GAP2-associated disorders. Also, this variant is absent from population databases. Based on the currently available evidence, this variant is classified as likely pathogenic.